The following is an entry in ClinVar:

NM_016239.4(MYO15A):c.6397A>G (p.Asn2133Asp)

Gene: MYO15A (myosin XVA; plus strand). Cytogenetic location: 17p11.2.
Variant type: single nucleotide variant.
Coding change: c.6397A>G on transcript NM_016239.4 (MANE Select); coding-DNA position 6397, A replaced by G.
Protein change: p.Asn2133Asp; replaces asparagine 2133 with aspartic acid.
Molecular consequence: missense variant.
Genome position (GRCh38, 1-based): chr17:18,145,995, A>G. VCF-style: chr17-18145995-A-G. GRCh37 (hg19) VCF-style: chr17-18049309-A-G.
Other names: short protein forms N2133D.
Identifiers: ClinVar variation 1301943 (VCV001301943.2), dbSNP rs769491829, ClinGen allele CA8424584.

ClinVar aggregate classification (germline): Conflicting classifications of pathogenicity. Review status: criteria provided, conflicting classifications (1 of 4 stars). 2 submissions from 2 submitters: Likely pathogenic (1); Uncertain significance (1). Last evaluated 2025-01-09.

Conditions:
Autosomal recessive nonsyndromic hearing loss 3. Also called: NEUROSENSORY NONSYNDROMIC RECESSIVE DEAFNESS 3. Identifiers: Orphanet 90636, MedGen C1838263, MONDO:0010860, OMIM 600316.

Allele frequency attached by ClinVar (database versions not stated): gnomAD exomes below 0.00001 and 0.00001; TOPMed below 0.00001; ExAC 0.00001.
gnomAD v4.1: 1 of 1,613,870 alleles (0.000062%); highest among the groups gnomAD compares: East Asian, 0.0022%; no homozygotes.

Submissions (2):

Institute of Rare Diseases, West China Hospital, Sichuan University
Classification: Likely pathogenic for Autosomal recessive nonsyndromic hearing loss 3. Last evaluated: 2025-01-09. Review status: criteria provided, single submitter. Criteria: ClinGen HL ACMG Specifications v1. Collection method: research. Allele origin: germline. Affected: yes.
Comment: PM3_Strong;PM2_Supporting;PP3

Molecular Diagnosis Center for Deafness
Classification: Uncertain significance for Autosomal recessive nonsyndromic hearing loss 3. Review status: criteria provided, single submitter. Criteria: ClinGen HL ACMG Specifications v1. Collection method: clinical testing. Allele origin: maternal. Observed: 1 variant allele.